The following is an entry in ClinVar:

ClinVar aggregate classification (germline): Conflicting classifications of pathogenicity. Review status: criteria provided, conflicting classifications (1 of 4 stars). 7 submissions from 7 submitters: Uncertain significance (4); Likely benign (2). 1 of the submissions does not count toward it. Last evaluated 2026-08-20.

Conditions:
Hereditary cancer-predisposing syndrome. Also called: Tumor predisposition; Neoplastic Syndromes, Hereditary; Hereditary Cancer Syndrome; Hereditary neoplastic syndrome. Identifiers: Orphanet 140162, MedGen C0027672, MeSH D009386, MONDO:0015356.
Hereditary breast ovarian cancer syndrome. Also called: Hereditary breast and ovarian cancer syndrome (HBOC); Hereditary breast and ovarian cancer syndrome; Hereditary breast and ovarian cancer; Hereditary breast and/or ovarian cancer syndrome; Breast and ovarian cancer; BRCA1- and BRCA2-Associated Hereditary Breast and Ovarian Cancer. Identifiers: Orphanet 145, MedGen C0677776, MeSH D061325, MONDO:0003582. Disease mechanism: loss of function.
Breast-ovarian cancer, familial, susceptibility to, 1 (BROVCA1). Also called: OVARIAN CANCER, SUSCEPTIBILITY TO; BRCA1 Hereditary Breast and Ovarian Cancer. Identifiers: Orphanet 145, MedGen C2676676, MONDO:0011450, OMIM 604370. Disease mechanism: loss of function.

gnomAD v4.1: 1 of 1,614,158 alleles (0.000062%); highest among the groups gnomAD compares: Non-Finnish European, 0.000085%; no homozygotes.

Submissions (7):

German Consortium for Hereditary Breast and Ovarian Cancer, University Hospital Cologne
Classification: Likely benign for Hereditary breast ovarian cancer syndrome. Last evaluated: 2026-08-20. Review status: criteria provided, single submitter. Criteria: ClinGen BRCA1 1.2.0. Collection method: curation. Allele origin: germline.
Comment: This classification follows the ClinGen ENIGMA BRCA1 v1.2.0 classification scheme; We chose this criterion: BP1 (strong benign): Missense variant in a coldspot region where missense variants are very unlikely to be pathogenic

Blueprint Genetics
Classification: Uncertain significance. Last evaluated: 2024-10-04. Review status: criteria provided, single submitter. Criteria: ACMG Guidelines, 2015. Collection method: clinical testing. Allele origin: germline.

Labcorp Genetics (formerly Invitae), Labcorp
Classification: Uncertain significance for Hereditary breast ovarian cancer syndrome. Last evaluated: 2023-10-09. Review status: criteria provided, single submitter. Criteria: Invitae Variant Classification Sherloc (09022015). Collection method: clinical testing. Allele origin: germline.
Comment: This sequence change replaces asparagine, which is neutral and polar, with lysine, which is basic and polar, at codon 417 of the BRCA1 protein (p.Asn417Lys). This variant is present in population databases (rs80357197, gnomAD 0.0009%). This variant has not been reported in the literature in individuals affected with BRCA1-related conditions. ClinVar contains an entry for this variant (Variation ID: 54175). Advanced modeling of protein sequence and biophysical properties (such as structural, functional, and spatial information, amino acid conservation, physicochemical variation, residue mobility, and thermodynamic stability) performed at Invitae indicates that this missense variant is not expected to disrupt BRCA1 protein function. In summary, the available evidence is currently insufficient to determine the role of this variant in disease. Therefore, it has been classified as a Variant of Uncertain Significance.

Ambry Genetics
Classification: Uncertain significance for Hereditary cancer-predisposing syndrome. Last evaluated: 2023-06-24. Review status: criteria provided, single submitter. Criteria: Ambry Variant Classification Scheme 2023. Collection method: clinical testing. Allele origin: germline.
Comment: The p.N417K variant (also known as c.1251T>G), located in coding exon 9 of the BRCA1 gene, results from a T to G substitution at nucleotide position 1251. The asparagine at codon 417 is replaced by lysine, an amino acid with similar properties. This amino acid position is not well conserved in available vertebrate species. In addition, the in silico prediction for this alteration is inconclusive. Since supporting evidence is limited at this time, the clinical significance of this alteration remains unclear.

University of Washington Department of Laboratory Medicine, University of Washington
Classification: Likely benign for Hereditary cancer-predisposing syndrome. Last evaluated: 2023-03-23. Review status: criteria provided, single submitter. Criteria: Dines et al. (Genet Med. 2020). Collection method: curation. Allele origin: germline.
Comment: Missense variant in a coldspot region where missense variants are very unlikely to be pathogenic (PMID:31911673).

BRCA1 coldspot (exon 11 using historical exon numbering). Reclassification based on statistical prior probability

Color Diagnostics, LLC DBA Color Health
Classification: Uncertain significance for Hereditary cancer-predisposing syndrome. Last evaluated: 2019-05-16. Review status: criteria provided, single submitter. Criteria: ACMG Guidelines, 2015. Collection method: clinical testing. Allele origin: germline.

Breast Cancer Information Core (BIC) (BRCA1)
Classification: Uncertain significance for Breast-ovarian cancer, familial 1. Last evaluated: 2002-05-29. Review status: no assertion criteria provided. Collection method: clinical testing. Allele origin: germline. Affected: yes. Observed: 1 variant allele. Not counted in ClinVar's aggregate classification.

NM_007294.4(BRCA1):c.1251T>G (p.Asn417Lys)

Gene: BRCA1 (BRCA1 DNA repair associated; minus strand). Cytogenetic location: 17q21.31.
Variant type: single nucleotide variant.
Coding change: c.1251T>G on transcript NM_007294.4 (MANE Select); coding-DNA position 1251, T replaced by G.
Protein change: p.Asn417Lys; replaces asparagine 417 with lysine.
Molecular consequence: missense variant. On other transcripts: intron variant (137).
Genome position (GRCh38, 1-based): chr17:43,094,280, A>C on the plus strand (T>G on the coding strand, the complement: BRCA1 is on the minus strand). VCF-style: chr17-43094280-A-C. GRCh37 (hg19) VCF-style: chr17-41246297-A-C.
Other names: c.646+464T>G (NM_001408456.1, NM_001408410.1, NM_001408458.1 and 11 more transcripts); c.643+464T>G (NM_001408465.1, NM_001408463.1, NM_001408462.1 and 3 more transcripts); c.577+464T>G (NM_001408482.1, NM_001408484.1, NM_001408478.1 and 9 more transcripts); c.520+464T>G (NM_001408504.1, NM_001408503.1, NM_001408505.1); c.523+464T>G (NM_001408499.1, NM_001408498.1, NM_001408501.1 and 3 more transcripts); c.670+1566T>G (NM_001408422.1, NM_001408418.1, NM_001408423.1 and 2 more transcripts); c.706+464T>G (NM_001408416.1, NM_001408413.1); c.661+464T>G (NM_001408450.1, NM_001408434.1, NM_001408447.1 and 6 more transcripts); and 40 more; short protein forms N417K, N370K, N329K, N346K, N369K, N390K, N414K, N290K.
Identifiers: ClinVar variation 54175 (VCV000054175.19), dbSNP rs80357197, ClinGen allele CA000824.